The following is an entry in ClinVar:

NM_001283009.2(RTEL1):c.2909A>G (p.Gln970Arg)

Genes: RTEL1 (regulator of telomere elongation helicase 1; plus strand), RTEL1-TNFRSF6B (RTEL1-TNFRSF6B readthrough (NMD candidate); plus strand). Cytogenetic location: 20q13.33.
Variant type: single nucleotide variant.
Coding change: c.2909A>G on transcript NM_001283009.2 (MANE Select); coding-DNA position 2909, A replaced by G.
Protein change: p.Gln970Arg; replaces glutamine 970 with arginine.
Molecular consequence: missense variant. On other transcripts: non-coding transcript variant (1).
Genome position (GRCh38, 1-based): chr20:63,693,200, A>G. VCF-style: chr20-63693200-A-G. GRCh37 (hg19) VCF-style: chr20-62324553-A-G.
Other names: c.2240A>G, p.Gln747Arg (NM_001283010.1); c.2909A>G, p.Gln970Arg (NM_016434.4); c.2981A>G, p.Gln994Arg (NM_032957.5); short protein forms Q747R, Q970R, Q994R.
Identifiers: ClinVar variation 1053972 (VCV001053972.11), dbSNP rs2090804992, ClinGen allele CA409683292.

ClinVar aggregate classification (germline): Uncertain significance. Review status: criteria provided, multiple submitters, no conflicts (2 of 4 stars). 3 submissions from 3 submitters: Uncertain significance (2). 1 of the submissions does not count toward it. Last evaluated 2025-03-30.

Conditions:
Dyskeratosis congenita, autosomal recessive 5 (DKCB5). Identifiers: MedGen C3554656, MONDO:0014076, OMIM 615190.
Pulmonary fibrosis and/or bone marrow failure, Telomere-related, 3. Also called: PULMONARY FIBROSIS AND/OR BONE MARROW FAILURE SYNDROME, TELOMERE-RELATED, 3. Identifiers: Orphanet 2032, MedGen C4225346, MONDO:0014613, OMIM 616373.
Inborn genetic diseases. Identifiers: MedGen C0950123, MeSH D030342.
Dyskeratosis congenita. Identifiers: Orphanet 1775, MedGen C0265965, MONDO:0015780.

Allele frequency attached by ClinVar (database versions not stated): gnomAD exomes below 0.00001; TOPMed 0.00001.
gnomAD v4.1: 1 of 1,612,162 alleles (0.000062%); highest among the groups gnomAD compares: Middle Eastern, 0.017%; no homozygotes.

Submissions (3):

Ambry Genetics
Classification: Uncertain significance for Inborn genetic diseases. Last evaluated: 2025-03-30. Review status: criteria provided, single submitter. Criteria: Ambry Variant Classification Scheme 2023. Collection method: clinical testing. Allele origin: germline.
Comment: The p.Q970R variant (also known as c.2909A>G), located in coding exon 29 of the RTEL1 gene, results from an A to G substitution at nucleotide position 2909. The glutamine at codon 970 is replaced by arginine, an amino acid with highly similar properties. This amino acid position is conserved. In addition, this alteration is predicted to be tolerated by in silico analysis. Based on the available evidence, the clinical significance of this variant remains unclear.

Labcorp Genetics (formerly Invitae), Labcorp
Classification: Uncertain significance for Dyskeratosis congenita, autosomal recessive 5; Pulmonary fibrosis and/or bone marrow failure, Telomere-related, 3. Last evaluated: 2022-07-12. Review status: criteria provided, single submitter. Criteria: Invitae Variant Classification Sherloc (09022015). Collection method: clinical testing. Allele origin: germline.
Comment: In summary, the available evidence is currently insufficient to determine the role of this variant in disease. Therefore, it has been classified as a Variant of Uncertain Significance. Algorithms developed to predict the effect of missense changes on protein structure and function output the following: SIFT: "Tolerated"; PolyPhen-2: "Benign"; Align-GVGD: "Class C0". The arginine amino acid residue is found in multiple mammalian species, which suggests that this missense change does not adversely affect protein function. This sequence change replaces glutamine, which is neutral and polar, with arginine, which is basic and polar, at codon 970 of the RTEL1 protein (p.Gln970Arg). This variant is not present in population databases (gnomAD no frequency). This variant has not been reported in the literature in individuals affected with RTEL1-related conditions. ClinVar contains an entry for this variant (Variation ID: 1053972).

Natera, Inc.
Classification: Uncertain significance for Dyskeratosis congenita. Last evaluated: 2021-07-08. Review status: no assertion criteria provided. Collection method: clinical testing. Allele origin: germline. Not counted in ClinVar's aggregate classification.